The following is an entry in ClinVar:

ClinVar aggregate classification (germline): Uncertain significance. Review status: criteria provided, single submitter (1 of 4 stars). 2 submissions from 2 submitters: Uncertain significance (1). 1 of the submissions does not count toward it. Last evaluated 2017-01-27.

Conditions:
Neuronal ceroid lipofuscinosis 8 (CLN8). Also called: CLN8-Related Neuronal Ceroid-Lipofuscinosis. Identifiers: Orphanet 168491, Orphanet 228354, Orphanet 79264, MedGen C1838570, MONDO:0010830, OMIM 600143.

Allele frequency attached by ClinVar (database versions not stated): gnomAD 0.00003; 1000 Genomes Project 30x 0.00078; 1000 Genomes Project 0.00080.
gnomAD v4.1: 20 of 1,613,988 alleles (0.0012%); highest among the groups gnomAD compares: South Asian, 0.022%; no homozygotes.

Submissions (2):

GeneDx
Classification: Uncertain significance. Last evaluated: 2017-01-27. Review status: criteria provided, single submitter. Criteria: GeneDx Variant Classification (06012015). Collection method: clinical testing. Allele origin: germline. Affected: yes.
Comment: A variant of uncertain significance has been identified in the CLN8 gene. The A30S variant has not been published as a pathogenic variant, nor has it been reported as a benign variant to our knowledge. A different missense variant at the same position (A30P) has been reported previously in the homozygous state in an individual with variant late-infantile neuronal ceroid lipofuscinosis (Cannelli et al., 2006). The A30S variant is observed in 6/16512 (0.04%) alleles from individuals of South Asian background (Lek et al., 2016; 1000 Genomes Consortium et al., 2015; Exome Variant Server). The A30S variant is a non-conservative amino acid substitution, which is likely to impact secondary protein structure as these residues differ in polarity, charge, size and/or other properties. This substitution occurs at a position that is conserved in mammals. In silico analysis is inconsistent in its predictions as to whether or not the variant is damaging to the protein structure/function. Therefore, based on the currently available information, it is unclear whether this variant is a pathogenic variant or a rare benign variant.

Natera, Inc.
Classification: Uncertain significance for Neuronal ceroid lipofuscinosis 8. Last evaluated: 2021-04-07. Review status: no assertion criteria provided. Collection method: clinical testing. Allele origin: germline. Not counted in ClinVar's aggregate classification.

NM_018941.4(CLN8):c.88G>T (p.Ala30Ser)

Gene: CLN8 (CLN8 transmembrane ER and ERGIC protein; plus strand). Cytogenetic location: 8p23.3.
Variant type: single nucleotide variant.
Coding change: c.88G>T on transcript NM_018941.4 (MANE Select); coding-DNA position 88, G replaced by T.
Protein change: p.Ala30Ser; replaces alanine 30 with serine.
Molecular consequence: missense variant.
Genome position (GRCh38, 1-based): chr8:1,771,142, G>T. VCF-style: chr8-1771142-G-T. GRCh37 (hg19) VCF-style: chr8-1719308-G-T.
Other names: short protein forms A30S.
Identifiers: ClinVar variation 423135 (VCV000423135.3), dbSNP rs137852883, ClinGen allele CA4599194.
Genomic context (GRCh38, chr8:1,771,142, plus strand): 5'-TCAGAGAGCATTTTTGACCTGGACTATGCATCCTGGGGGATCCGCTCCACGCTGATGGTC[G>T]CTGGCTTTGTCTTCTACTTGGGCGTCTTTGTGGTCTGCCACCAGCTGTCCTCTTCCCTGA-3'
Protein context (NP_061764.2, residues 20-40): SWGIRSTLMV[Ala30Ser]GFVFYLGVFV